The following is an entry in ClinVar:

NM_005138.3(SCO2):c.227_230del (p.Leu76fs)

Genes: NCAPH2 (non-SMC condensin II complex subunit H2; plus strand), SCO2 (synthesis of cytochrome C oxidase 2; minus strand). Cytogenetic location: 22q13.33.
Variant type: Microsatellite.
Coding change: c.227_230del on transcript NM_005138.3 (MANE Select); coding-DNA positions 227 to 230, 4 bases deleted (TGGC; older notation c.227_230delTGGC).
Protein change: p.Leu76fs; shifts the reading frame from leucine 76.
Molecular consequence: frameshift variant. On other transcripts: 3 prime UTR variant (2).
Genome position (GRCh38, 1-based): chr22:50,524,182-50,524,185, GCCA deleted on the plus strand (TGGC on the coding strand, the reverse complement: SCO2 is on the minus strand); deleting any 4 consecutive bases within chr22:50,524,182-50,524,190 gives the same sequence; the c. name uses the placement nearest the transcript's 3' end. VCF-style (leftmost placement, unchanged base first): chr22-50524181-GGCCA-G. GRCh37 (hg19) VCF-style: chr22-50962610-GGCCA-G.
Other names: c.227_230del (NM_005138.2); c.*808CCAG[1] (NM_001185011.2, NM_152299.4); c.227_230del, p.Leu76fs (NM_001169109.2, NM_001169110.1, NM_001169111.2); short protein forms L76fs.
Identifiers: ClinVar variation 2413129 (VCV002413129.11), dbSNP rs780824645, ClinGen allele CA10321261.
Genomic context (GRCh38, chr22:50,524,181, plus strand): 5'-TGCCTGGCGCAGGGCTTCTGTTCGCTTTTGCTGCTGCAGCCTCTCCTTCTCAGCCCTCAG[GGCCA>G]GCCAGGCCCCACCGAGTCCAGCCCCGAACAGGCCTGTGATCAGCAGCCGGGTTCGAAGCC-3'

ClinVar aggregate classification (germline): Pathogenic/Likely pathogenic. Review status: criteria provided, multiple submitters, no conflicts (2 of 4 stars). 3 submissions from 3 submitters: Pathogenic (2); Likely pathogenic (1). Last evaluated 2026-01-25.

Conditions:
Cardioencephalomyopathy, fatal infantile, due to cytochrome c oxidase deficiency 1 (MC4DN2). Also called: CYTOCHROME c OXIDASE DEFICIENCY, FATAL INFANTILE, WITH CARDIOENCEPHALOMYOPATHY; MITOCHONDRIAL COMPLEX IV DEFICIENCY, NUCLEAR TYPE 2. Identifiers: Orphanet 1561, MedGen C5399977, MONDO:0011451, OMIM 604377.

Submissions (3):

Labcorp Genetics (formerly Invitae), Labcorp
Classification: Pathogenic. Last evaluated: 2026-01-25. Review status: criteria provided, single submitter. Criteria: Invitae Variant Classification Sherloc (09022015). Collection method: clinical testing. Allele origin: germline.
Comment: This sequence change creates a premature translational stop signal (p.Leu76Profs*2) in the SCO2 gene. While this is not anticipated to result in nonsense mediated decay, it is expected to disrupt the last 191 amino acid(s) of the SCO2 protein. This variant is present in population databases (rs780824645, gnomAD 0.04%). This variant has not been reported in the literature in individuals affected with SCO2-related conditions. ClinVar contains an entry for this variant (Variation ID: 2413129). This variant disrupts a region of the SCO2 protein in which other variant(s) (p.Gln182*) have been determined to be pathogenic (PMID: 19353847, 29193756, 32600061). This suggests that this is a clinically significant region of the protein, and that variants that disrupt it are likely to be disease-causing. For these reasons, this variant has been classified as Pathogenic.

Baylor Genetics
Classification: Likely pathogenic for Cardioencephalomyopathy, fatal infantile, due to cytochrome c oxidase deficiency 1. Last evaluated: 2024-02-19. Review status: criteria provided, single submitter. Criteria: ACMG Guidelines, 2015. Collection method: clinical testing. Allele origin: unknown.

Laboratory of Inherited Metabolic Diseases, Research centre for medical genetics
Classification: Pathogenic for Cardioencephalomyopathy, fatal infantile, due to cytochrome c oxidase deficiency 1. Last evaluated: 2023-01-31. Review status: criteria provided, single submitter. Criteria: ACMG Guidelines, 2015. Collection method: clinical testing. Allele origin: maternal. Inheritance: Autosomal recessive inheritance. Affected: yes. Observed: 1 variant allele.

Literature cited by the submitters: PubMed 19353847 (cited by Labcorp Genetics (formerly Invitae), Labcorp); PubMed 29193756 (cited by Labcorp Genetics (formerly Invitae), Labcorp); PubMed 32600061 (cited by Labcorp Genetics (formerly Invitae), Labcorp).